The following is an entry in ClinVar:

ClinVar aggregate classification (germline): Likely pathogenic. Review status: criteria provided, multiple submitters, no conflicts (2 of 4 stars). 4 submissions from 4 submitters: Likely pathogenic (4). Last evaluated 2024-01-17.

Conditions:
Hereditary cancer-predisposing syndrome. Also called: Hereditary Cancer Syndrome; Hereditary neoplastic syndrome; Neoplastic Syndromes, Hereditary; Tumor predisposition. Identifiers: Orphanet 140162, MedGen C0027672, MeSH D009386, MONDO:0015356.
Familial cancer of breast. Also called: hereditary breast carcinoma; BREAST CANCER, FAMILIAL; Hereditary breast cancer. Identifiers: Orphanet 227535, MedGen C0346153, MONDO:0016419, OMIM 114480. Disease mechanism: loss of function.
Ataxia-telangiectasia syndrome (AT). Also called: Ataxia-telangiectasia, complementation group E; LOUIS-BAR SYNDROME; Cerebello-oculocutaneous telangiectasia; Immunodeficiency with ataxia telangiectasia; Ataxia-telangiectasia, complementation group D; AT, COMPLEMENTATION GROUP C. Identifiers: Orphanet 100, MedGen C0004135, MONDO:0008840, OMIM 208900.

Submissions (4):

Myriad Genetics, Inc.
Classification: Likely pathogenic for Familial cancer of breast. Last evaluated: 2024-01-17. Review status: criteria provided, single submitter. Criteria: Myriad Autosomal Dominant, Autosomal Recessive and X-Linked Classification Criteria (2023). Collection method: clinical testing. Allele origin: unknown.
Comment: This variant is considered likely pathogenic. This variant occurs within a consensus splice junction and is predicted to result in abnormal mRNA splicing of either an out-of-frame exon or an in-frame exon necessary for protein stability and/or normal function. mRNA analysis has demonstrated abnormal mRNA splicing occurs [Myriad internal data, PMID: 8808599, 9872980]. This variant has been reported in multiple individuals with clinical features of gene-specific disease [PMID: 8808599, 9872980].

Ambry Genetics
Classification: Likely pathogenic for Hereditary cancer-predisposing syndrome. Last evaluated: 2022-06-09. Review status: criteria provided, single submitter. Criteria: Ambry Variant Classification Scheme 2023. Collection method: clinical testing. Allele origin: germline.
Comment: The c.2251-1G>A intronic variant results from a G to A substitution one nucleotide upstream from coding exon 14 of the ATM gene. This variant has been identified in an individual diagnosed with ataxia telangiectasia (Wright J et al. Am J Hum Genet, 1996 Oct;59:839-46; Hacia JG et al. Genome Res, 1998 Dec;8:1245-58). This variant is considered to be rare based on population cohorts in the Genome Aggregation Database (gnomAD). This nucleotide position is highly conserved in available vertebrate species. In silico splice site analysis predicts that this alteration will weaken the native splice acceptor site and may result in the creation or strengthening of a novel splice acceptor site. RNA studies have demonstrated that this alteration results in abnormal splicing in the set of samples tested (Ambry internal data). Alterations that disrupt the canonical splice site are expected to cause aberrant splicing, resulting in an abnormal protein or a transcript that is subject to nonsense-mediated mRNA decay. As such, this alteration is classified as likely pathogenic.

Women's Health and Genetics/Laboratory Corporation of America, LabCorp
Classification: Likely pathogenic for Ataxia-telangiectasia syndrome. Last evaluated: 2021-12-22. Review status: criteria provided, single submitter. Criteria: LabCorp Variant Classification Summary - May 2015. Collection method: clinical testing. Allele origin: germline.
Comment: Variant summary: ATM c.2251-1G>A is located in a canonical splice-site and is predicted to affect mRNA splicing resulting in a significantly altered protein due to either exon skipping, shortening, or inclusion of intronic material. Several computational tools predict a significant impact on normal splicing: two predict the variant abolishes a 3 prime acceptor site. However, these predictions have yet to be confirmed by functional studies. The variant was absent in 250502 control chromosomes. c.2251-1G>A has been reported in the literature in primary cell lines derived from individuals affected with Ataxia-Telangiectasia (example: Hacia_1998, Carlessi_2014). These data indicate that the variant may be associated with disease. At least one publication reports experimental evidence evaluating potential impact on cellular function, where neurons derived from AT patient fibroblasts had deficient neuronal maturation and transynaptic function, impaired double strand DNA damage repair, and resistance to apoptosis from specific agents when compared to neurons derived from control fibroblasts. However, since the authors used two different AT fibroblast donors and did not specify which cells were used for each assay, this does not allow convincing conclusions about the variant effect. One ClinVar submitter has assessed the variant since 2014: the variant was classified as likely pathogenic. Based on the evidence outlined above, the variant was classified as likely pathogenic.

Color Diagnostics, LLC DBA Color Health
Classification: Likely pathogenic for Hereditary cancer-predisposing syndrome. Last evaluated: 2020-01-27. Review status: criteria provided, single submitter. Criteria: ACMG Guidelines, 2015. Collection method: clinical testing. Allele origin: germline.
Comment: This variant causes a G>A nucleotide substitution at the -1 position of intron 14 of the ATM gene. Splice site prediction tools predict that this variant may have a significant impact on RNA splicing. The variant is predicted to abolish the splice acceptor site and activate a cryptic splice acceptor site 19 basepairs downstream, and analysis of RNA from ataxia telangiectasia patient cell lines supports this prediction (PMID: 8808599). This variant has been reported as compound heterozygous in individuals affected with ataxia telangiectasia in the literature (PMID: 8808599, 9872980). This variant has not been identified in the general population by the Genome Aggregation Database (gnomAD). Loss of ATM function is a known mechanism of disease. Based on the available evidence, this variant is classified as Likely Pathogenic.

Literature cited by the submitters: PubMed 8808599 (cited by Myriad Genetics, Inc. and Ambry Genetics); PubMed 9872980 (cited by 3 submitters); PubMed 25032865 (cited by Ambry Genetics and Women's Health and Genetics/Laboratory Corporation of America, LabCorp).

NM_000051.4(ATM):c.2251-1G>A

Gene: ATM (ATM serine/threonine kinase; plus strand). Cytogenetic location: 11q22.3.
Variant type: single nucleotide variant.
Coding change: c.2251-1G>A on transcript NM_000051.4 (MANE Select); the canonical splice acceptor site of the intron before coding-DNA position 2251, G replaced by A.
Molecular consequence: splice acceptor variant.
Genome position (GRCh38, 1-based): chr11:108,257,480, G>A. VCF-style: chr11-108257480-G-A. GRCh37 (hg19) VCF-style: chr11-108128207-G-A.
Other names: c.2251-1G>A (NM_001351834.2).
Identifiers: ClinVar variation 919743 (VCV000919743.6), dbSNP rs876659710, ClinGen allele CA382539494.
Genomic context (GRCh38, chr11:108,257,480, plus strand): 5'-AAAAGCAATACTAAACTATAATTTTAACTGGAATTTGCATTTTTCCTTCTATTCACAATA[G>A]TCTCTAATGCAATGTGCAGGAGAAAGTATCACTCTGTTTAAAAATAAGACAAATGAGGAA-3'